The following is an entry in ClinVar:

ClinVar aggregate classification (germline): Likely benign (0 of 4 stars; one submission).

Conditions:
TP53BP1-related disorder. Also called: TP53BP1-related condition.

Allele frequency attached by ClinVar (database versions not stated): gnomAD exomes 0.00003; gnomAD 0.00008; TOPMed 0.00010; ExAC 0.00012; 1000 Genomes Project 30x 0.00016; 1000 Genomes Project 0.00020.
gnomAD v4.1: 64 of 1,614,032 alleles (0.004%); highest among the groups gnomAD compares: East Asian, 0.12%; no homozygotes.

Submission:

PreventionGenetics, part of Exact Sciences
Classification: Likely benign for TP53BP1-related condition. Last evaluated: 2023-01-03. Review status: no assertion criteria provided. Collection method: clinical testing. Allele origin: germline.
Comment: This variant is classified as likely benign based on ACMG/AMP sequence variant interpretation guidelines (Richards et al. 2015 PMID: 25741868, with internal and published modifications).

NM_001141980.3(TP53BP1):c.5696C>G (p.Thr1899Ser)

Genes: TP53BP1 (tumor protein p53 binding protein 1; minus strand), TUBGCP4 (tubulin gamma complex component 4; plus strand). Cytogenetic location: 15q15.3.
Variant type: single nucleotide variant.
Coding change: c.5696C>G on transcript NM_001141980.3 (MANE Select); coding-DNA position 5696, C replaced by G.
Protein change: p.Thr1899Ser; replaces threonine 1899 with serine.
Molecular consequence: missense variant. On other transcripts: 3 prime UTR variant (2).
Genome position (GRCh38, 1-based): chr15:43,407,993, G>C on the plus strand (C>G on the coding strand, the complement: TP53BP1 is on the minus strand). VCF-style: chr15-43407993-G-C. GRCh37 (hg19) VCF-style: chr15-43700191-G-C.
Other names: c.*2779G>C (NM_001286414.3, NM_014444.5); c.5690C>G, p.Thr1897Ser (NM_001141979.3); c.2816C>G, p.Thr939Ser (NM_001355001.2); c.5546C>G, p.Thr1849Ser (NM_001411050.1); c.5681C>G, p.Thr1894Ser (NM_005657.4); short protein forms T1849S, T1894S, T1897S, T1899S, T939S.
Identifiers: ClinVar variation 3055052 (VCV003055052.2), dbSNP rs199724544, ClinGen allele CA7524361.